The following is an entry in ClinVar:

ClinVar aggregate classification (germline): Benign/Likely benign. Review status: criteria provided, multiple submitters, no conflicts (2 of 4 stars). 5 submissions from 5 submitters: Benign (2); Likely benign (2). 1 of the submissions does not count toward it. Last evaluated 2026-01-29.

Conditions:
SCN1A-related disorder. Also called: SCN1A-related conditions; SCN1A-related condition; SCN1A-related disorders.
Early-infantile DEE. Also called: Early infantile epileptic encephalopathy with suppression bursts; Early infantile epileptic encephalopathy; Ohtahara syndrome. Identifiers: Orphanet 1934, MedGen C0393706, MONDO:0800491.
Inborn genetic diseases. Identifiers: MedGen C0950123, MeSH D030342.

Allele frequency attached by ClinVar (database versions not stated): 1000 Genomes Project 30x 0.00031; 1000 Genomes Project 0.00040; ExAC 0.00056; gnomAD 0.00002 and 0.00018; TOPMed 0.00003; ESP Exome Variant Server 0.00008.
gnomAD v4.1: 401 of 1,606,452 alleles (0.025%); highest among the groups gnomAD compares: South Asian, 0.4%; 2 homozygotes.

Submissions (5):

Labcorp Genetics (formerly Invitae), Labcorp
Classification: Benign for Early-infantile DEE. Last evaluated: 2026-01-29. Review status: criteria provided, single submitter. Criteria: Invitae Variant Classification Sherloc (09022015). Collection method: clinical testing. Allele origin: germline.

Blueprint Genetics
Classification: Likely benign. Last evaluated: 2024-03-14. Review status: criteria provided, single submitter. Criteria: ACMG Guidelines, 2015. Collection method: clinical testing. Allele origin: germline.

Ambry Genetics
Classification: Likely benign for Inborn genetic diseases. Last evaluated: 2016-09-20. Review status: criteria provided, single submitter. Criteria: Ambry Variant Classification Scheme 2023. Collection method: clinical testing. Allele origin: germline.

GeneDx
Classification: Benign. Last evaluated: 2013-07-10. Review status: criteria provided, single submitter. Criteria: GeneDx Variant Classification (06012015). Collection method: clinical testing. Allele origin: germline. Affected: yes.
Comment: This variant is considered likely benign or benign based on one or more of the following criteria: it is a conservative change, it occurs at a poorly conserved position in the protein, it is predicted to be benign by multiple in silico algorithms, and/or has population frequency not consistent with disease.

PreventionGenetics, part of Exact Sciences
Classification: Likely benign for SCN1A-related condition. Last evaluated: 2019-06-13. Review status: no assertion criteria provided. Collection method: clinical testing. Allele origin: germline. Not counted in ClinVar's aggregate classification.
Comment: This variant is classified as likely benign based on ACMG/AMP sequence variant interpretation guidelines (Richards et al. 2015 PMID: 25741868, with internal and published modifications).

NM_001165963.4(SCN1A):c.3886T>C (p.Leu1296=)

Genes: SCN1A (sodium voltage-gated channel alpha subunit 1; minus strand), LOC102724058 (uncharacterized LOC102724058; plus strand). Cytogenetic location: 2q24.3.
Variant type: single nucleotide variant.
Coding change: c.3886T>C on transcript NM_001165963.4 (MANE Select); coding-DNA position 3886, T replaced by C.
Protein change: p.Leu1296=; no amino-acid change (leucine 1296 retained).
Molecular consequence: synonymous variant. On other transcripts: non-coding transcript variant (1).
Genome position (GRCh38, 1-based): chr2:166,009,835, A>G on the plus strand (T>C on the coding strand, the complement: SCN1A is on the minus strand). VCF-style: chr2-166009835-A-G. GRCh37 (hg19) VCF-style: chr2-166866345-A-G.
Other names: p.L1296L:TTG>CTG; c.3802T>C, p.Leu1268= (NM_001165964.3, NM_001353957.2, NM_001353958.2); c.3886T>C, p.Leu1296= (NM_001202435.3, NM_001353948.2); c.3853T>C, p.Leu1285= (NM_001353949.2, NM_001353950.2, NM_001353951.2 and 2 more transcripts); c.3850T>C, p.Leu1284= (NM_001353954.2, NM_001353955.2); c.3799T>C, p.Leu1267= (NM_001353960.2); c.1444T>C, p.Leu482= (NM_001353961.2); c.3886T>C (NM_001202435.1).
Identifiers: ClinVar variation 138979 (VCV000138979.21), dbSNP rs375896308, ClinGen allele CA293176.
Genomic context (GRCh38, chr2:166,009,835, plus strand): 5'-TGAGAGATTTGATGGCTCCAAGTTCTGAGTAACCCAAGGCATTTGCTGTTAAACTGACCA[A>G]TGAAACCTGCACACACAAAAATAATAACAATTAATAAACAGAATCATCATTCAATGTGTA-3'
Protein context (NP_001159435.1, residues 1286-1306): WLDFLIVDVS[Leu1296=]VSLTANALGY